The following is an entry in ClinVar:

NM_003359.4(UGDH):c.305G>A (p.Arg102Gln)

Gene: UGDH (UDP-glucose 6-dehydrogenase; minus strand). Cytogenetic location: 4p14.
Variant type: single nucleotide variant.
Coding change: c.305G>A on transcript NM_003359.4 (MANE Select); coding-DNA position 305, G replaced by A.
Protein change: p.Arg102Gln; replaces arginine 102 with glutamine.
Molecular consequence: missense variant. On other transcripts: intron variant (1).
Genome position (GRCh38, 1-based): chr4:39,510,821, C>T on the plus strand (G>A on the coding strand, the complement: UGDH is on the minus strand). VCF-style: chr4-39510821-C-T. GRCh37 (hg19) VCF-style: chr4-39512441-C-T.
Other names: c.14G>A, p.Arg5Gln (NM_001184701.2); c.265-271G>A (NM_001184700.2); short protein forms R102Q, R5Q.
Identifiers: ClinVar variation 2504423 (VCV002504423.1), dbSNP rs757450293, ClinGen allele CA2895169.

ClinVar aggregate classification (germline): Uncertain significance (1 of 4 stars; one submission).

Allele frequency attached by ClinVar (database versions not stated): gnomAD exomes below 0.00001; TOPMed 0.00001; ExAC 0.00002.
gnomAD v4.1: 5 of 1,614,158 alleles (0.00031%); highest among the groups gnomAD compares: East Asian, 0.0022%; no homozygotes.

Submission:

GeneDx
Classification: Uncertain significance. Last evaluated: 2022-12-01. Review status: criteria provided, single submitter. Criteria: GeneDx Variant Classification Process June 2021. Collection method: clinical testing. Allele origin: germline. Affected: yes.
Comment: In silico analysis supports that this missense variant has a deleterious effect on protein structure/function; Has not been previously published as pathogenic or benign to our knowledge